The following is an entry in ClinVar:

NM_024887.3(DHDDS):c.-119G>A

Gene: DHDDS (dehydrodolichyl diphosphate synthase subunit; plus strand). Cytogenetic location: 1p36.11.
Variant type: single nucleotide variant.
Coding change: c.-119G>A on transcript NM_024887.3; 119 bases upstream of the start codon, G replaced by A.
Genome position (GRCh38, 1-based): chr1:26,432,313, G>A. VCF-style: chr1-26432313-G-A. GRCh37 (hg19) VCF-style: chr1-26758804-G-A.
Identifiers: ClinVar variation 297070 (VCV000297070.7), dbSNP rs115681222, ClinGen allele CA10609810.

ClinVar aggregate classification (germline): Likely benign (1 of 4 stars; one submission).

Conditions:
Retinitis pigmentosa (RP). Identifiers: Orphanet 791, MedGen C0035334, MeSH D012174, MONDO:0019200, OMIM 268000. Inheritance: Autosomal dominant, autosomal recessive and X linked inheritance.

Allele frequency attached by ClinVar (database versions not stated): gnomAD 0.01071 and 0.01011; 1000 Genomes Project 0.01278; TOPMed 0.01088; 1000 Genomes Project 30x 0.01515.

Submission:

Illumina Laboratory Services, Illumina
Classification: Likely benign for Retinitis pigmentosa. Last evaluated: 2018-01-12. Review status: criteria provided, single submitter. Criteria: ICSL Variant Classification Criteria 13 December 2019. Collection method: clinical testing. Allele origin: germline.
Comment: This variant was observed in the ICSL laboratory as part of a predisposition screen in an ostensibly healthy population. It had not been previously curated by ICSL or reported in the Human Gene Mutation Database (HGMD: prior to June 1st, 2018), and was therefore a candidate for classification through an automated scoring system. Utilizing variant allele frequency, disease prevalence and penetrance estimates, and inheritance mode, an automated score was calculated to assess if this variant is too frequent to cause the disease. Based on the score and internal cut-off values, a variant classified as likely benign is not then subjected to further curation. The score for this variant resulted in a classification of likely benign for this disease.